The following is an entry in ClinVar:

NM_004991.4(MECOM):c.2119A>T (p.Met707Leu)

Gene: MECOM (MDS1 and EVI1 complex locus; minus strand). Cytogenetic location: 3q26.2.
Variant type: single nucleotide variant.
Coding change: c.2119A>T on transcript NM_004991.4 (MANE Select); coding-DNA position 2119, A replaced by T.
Protein change: p.Met707Leu; replaces methionine 707 with leucine.
Molecular consequence: missense variant.
Genome position (GRCh38, 1-based): chr3:169,115,753, T>A on the plus strand (A>T on the coding strand, the complement: MECOM is on the minus strand). VCF-style: chr3-169115753-T-A. GRCh37 (hg19) VCF-style: chr3-168833541-T-A.
Other names: c.1750A>T, p.Met584Leu (NM_001105077.4); c.1555A>T, p.Met519Leu (NM_001105078.4, NM_001164000.2, NM_001205194.2 and 4 more transcripts); c.1558A>T, p.Met520Leu (NM_001163999.2, NM_001366467.2, NM_001366468.2 and 1 more transcripts); c.2119A>T, p.Met707Leu (NM_001366466.2); c.1147A>T, p.Met383Leu (NM_001366473.2); c.583A>T, p.Met195Leu (NM_001366474.2); short protein forms M195L, M584L, M383L, M519L, M520L, M707L.
Identifiers: ClinVar variation 4826721 (VCV004826721.1).

ClinVar aggregate classification (germline): Uncertain significance (1 of 4 stars; one submission).

Conditions:
Inborn genetic diseases. Identifiers: MedGen C0950123, MeSH D030342.

Submission:

Ambry Genetics
Classification: Uncertain significance for Inborn genetic diseases. Last evaluated: 2026-03-08. Review status: criteria provided, single submitter. Criteria: Ambry Variant Classification Scheme 2023. Collection method: clinical testing. Allele origin: germline.
Comment: The p.M707L variant (also known as c.2119A>T), located in coding exon 8 of the MECOM gene, results from an A to T substitution at nucleotide position 2119. The methionine at codon 707 is replaced by leucine, an amino acid with highly similar properties. This amino acid position is conserved. In addition, this alteration is predicted to be tolerated by in silico analysis. Based on the available evidence, the clinical significance of this variant remains unclear.